The following is an entry in ClinVar:

ClinVar aggregate classification (germline): Conflicting classifications of pathogenicity. Review status: criteria provided, conflicting classifications (1 of 4 stars). 2 submissions from 2 submitters: Pathogenic (1); Uncertain significance (1). Last evaluated 2026-05-08.

Conditions:
SORL1-related disorder. Also called: SORL1-related condition.

Allele frequency attached by ClinVar (database versions not stated): gnomAD 0.00001; gnomAD exomes 0.00001.
gnomAD v4.1: 13 of 1,613,120 alleles (0.00081%); highest among the groups gnomAD compares: Middle Eastern, 0.016%; no homozygotes.

Submissions (2):

PreventionGenetics, part of Exact Sciences
Classification: Uncertain significance for SORL1-related condition. Last evaluated: 2026-05-08. Review status: criteria provided, single submitter. Criteria: ACMG Guidelines, 2015. Collection method: clinical testing. Allele origin: germline.
Comment: The SORL1 c.802C>T variant is predicted to result in premature protein termination (p.Arg268*). This variant has been reported in an individual with early-onset Alzheimer disease (Nicolas et al. 2016. PubMed ID: 26303663; Table S7, Bellenguez et al. 2017. PubMed ID: 28789839). This variant is reported in 0.0040% of alleles in individuals of African descent in gnomAD. Although we suspect that this variant may be pathogenic, at this time, the clinical significance of this variant is uncertain due to the absence of conclusive functional and genetic evidence.

Labcorp Genetics (formerly Invitae), Labcorp
Classification: Pathogenic. Last evaluated: 2024-01-13. Review status: criteria provided, single submitter. Criteria: Invitae Variant Classification Sherloc (09022015). Collection method: clinical testing. Allele origin: germline.
Comment: This sequence change creates a premature translational stop signal (p.Arg268*) in the SORL1 gene. It is expected to result in an absent or disrupted protein product. Loss-of-function variants in SORL1 are known to be pathogenic (PMID: 26303663, 27026413). This variant is present in population databases (no rsID available, gnomAD 0.004%). This premature translational stop signal has been observed in individual(s) with Alzheimer disease (PMID: 26303663). For these reasons, this variant has been classified as Pathogenic.

Literature cited by the submitters: PubMed 26303663 (cited by Labcorp Genetics (formerly Invitae), Labcorp); PubMed 27026413 (cited by Labcorp Genetics (formerly Invitae), Labcorp).

NM_003105.6(SORL1):c.802C>T (p.Arg268Ter)

Gene: SORL1 (sortilin related receptor 1; plus strand). Cytogenetic location: 11q24.1.
Variant type: single nucleotide variant.
Coding change: c.802C>T on transcript NM_003105.6 (MANE Select); coding-DNA position 802, C replaced by T.
Protein change: p.Arg268Ter; replaces arginine 268 with a stop codon.
Molecular consequence: nonsense.
Genome position (GRCh38, 1-based): chr11:121,496,912, C>T. VCF-style: chr11-121496912-C-T. GRCh37 (hg19) VCF-style: chr11-121367621-C-T.
Other names: c.802C>T (NM_003105.5); short protein forms R268*.
Identifiers: ClinVar variation 2735780 (VCV002735780.4), dbSNP rs1480691710, ClinGen allele CA383286756.